The following is an entry in ClinVar:

NM_198428.3(BBS9):c.2470C>T (p.Arg824Cys)

Gene: BBS9 (Bardet-Biedl syndrome 9; plus strand). Cytogenetic location: 7p14.3.
Variant type: single nucleotide variant.
Coding change: c.2470C>T on transcript NM_198428.3 (MANE Select); coding-DNA position 2470, C replaced by T.
Protein change: p.Arg824Cys; replaces arginine 824 with cysteine.
Molecular consequence: missense variant. On other transcripts: non-coding transcript variant (3).
Genome position (GRCh38, 1-based): chr7:33,534,125, C>T. VCF-style: chr7-33534125-C-T. GRCh37 (hg19) VCF-style: chr7-33573737-C-T.
Other names: c.2365C>T, p.Arg789Cys (NM_001033604.2); c.2455C>T, p.Arg819Cys (NM_001033605.2); c.2470C>T, p.Arg824Cys (NM_001348036.1, NM_001348041.4, NM_001348043.3 and 1 more transcripts); c.1921C>T, p.Arg641Cys (NM_001348037.3); c.2197C>T, p.Arg733Cys (NM_001348038.3); c.2092C>T, p.Arg698Cys (NM_001348039.3); c.2350C>T, p.Arg784Cys (NM_001348040.3, NM_014451.4); c.2335C>T, p.Arg779Cys (NM_001348042.3); and 2 more; short protein forms R824C, R667C, R641C, R702C, R733C, R789C, R698C, R819C.
Identifiers: ClinVar variation 522244 (VCV000522244.42), dbSNP rs146752751, ClinGen allele CA4214693.

ClinVar aggregate classification (germline): Benign/Likely benign. Review status: criteria provided, multiple submitters, no conflicts (2 of 4 stars). 6 submissions from 6 submitters: Benign (3); Likely benign (2). 1 of the submissions does not count toward it. Last evaluated 2026-02-02.

Conditions:
Bardet-Biedl syndrome (BBS). Identifiers: Orphanet 110, MedGen C0752166, MONDO:0015229.
Bardet-Biedl syndrome 1 (BBS1). Identifiers: MedGen C2936862, MONDO:0008854, OMIM 209900. Disease mechanism: loss of function.
Bardet-Biedl syndrome 9 (BBS9). Identifiers: Orphanet 110, MedGen C1859567, MONDO:0014437, OMIM 615986.

Allele frequency attached by ClinVar (database versions not stated): ESP Exome Variant Server 0.00031; gnomAD 0.00076 and 0.00117; gnomAD exomes 0.00122 and 0.00267; TOPMed 0.00165; ExAC 0.00262; 1000 Genomes Project 30x 0.00703; 1000 Genomes Project 0.00739.
gnomAD v4.1: 1,975 of 1,614,170 alleles (0.12%); highest among the groups gnomAD compares: East Asian, 3.8%; 41 homozygotes.

Submissions (6):

Labcorp Genetics (formerly Invitae), Labcorp
Classification: Benign for Bardet-Biedl syndrome. Last evaluated: 2026-02-02. Review status: criteria provided, single submitter. Criteria: Invitae Variant Classification Sherloc (09022015). Collection method: clinical testing. Allele origin: germline.

CeGaT Center for Human Genetics Tuebingen
Classification: Benign. Last evaluated: 2023-02-01. Review status: criteria provided, single submitter. Criteria: CeGaT Center For Human Genetics Tuebingen Variant Classification Criteria Version 2. Collection method: clinical testing. Allele origin: germline. Affected: yes. Observed: 1 variant allele.
Comment: BBS9: BS1, BS2

Illumina Laboratory Services, Illumina
Classification: Likely benign for Bardet-Biedl syndrome 9. Last evaluated: 2017-04-27. Review status: criteria provided, single submitter. Criteria: ICSL Variant Classification Criteria 13 December 2019. Collection method: clinical testing. Allele origin: germline.
Comment: This variant was observed as part of a predisposition screen in an ostensibly healthy population. A literature search was performed for the gene, cDNA change, and amino acid change (where applicable). No publications were found based on this search. Allele frequency data from public databases allowed determination this variant is unlikely to cause disease. Therefore, this variant is classified as likely benign.

Genome Diagnostics Laboratory, University Medical Center Utrecht
Classification: Benign for Bardet-Biedl syndrome 1. Last evaluated: 2015-01-08. Review status: criteria provided, single submitter. Criteria: ACGS Guidelines, 2013. Collection method: clinical testing. Allele origin: germline. Affected: yes. Study: VKGL Data-share Consensus.

Breakthrough Genomics
Classification: Likely benign. Review status: criteria provided, single submitter. Criteria: ACMG Guidelines, 2015. Collection method: not provided. Allele origin: germline. Inheritance: Autosomal recessive inheritance. Affected: yes.

Genome Diagnostics Laboratory, Amsterdam University Medical Center
Classification: Benign for Bardet-Biedl syndrome 1. Last evaluated: 2017-04-19. Review status: no assertion criteria provided. Criteria: ACGS Guidelines, 2013. Collection method: clinical testing. Allele origin: germline. Affected: yes. Study: VKGL Data-share Consensus. Not counted in ClinVar's aggregate classification.